The following is an entry in ClinVar:

ClinVar aggregate classification (germline): Conflicting classifications of pathogenicity. Review status: criteria provided, conflicting classifications (1 of 4 stars). 3 submissions from 3 submitters: Likely pathogenic (1); Uncertain significance (2). Last evaluated 2024-02-19.

Conditions:
Diabetes-deafness syndrome maternally transmitted (MIDD). Also called: Maternally-inherited diabetes and deafness; Ballinger Wallace syndrome; Diabetes mellitus type II with deafness; NIDDM WITH DEAFNESS; NONINSULIN-DEPENDENT DIABETES MELLITUS WITH DEAFNESS. Identifiers: Orphanet 225, MedGen C0342289, MONDO:0010785, OMIM 520000.
Mitochondrial disease. Also called: Mitochondrial disorder; Mitochondrial disorders. Identifiers: Orphanet 68380, MedGen C0751651, MeSH D028361, MONDO:0044970.
MELAS syndrome (MELAS). Also called: Juvenile myopathy, encephalopathy, lactic acidosis, stroke. Identifiers: Orphanet 550, MedGen C0162671, MONDO:0010789, OMIM 540000.

Submissions (3):

Department of Clinical Genetics, Medical University of Lodz
Classification: Likely pathogenic for Diabetes-deafness syndrome maternally transmitted. Last evaluated: 2024-02-19. Review status: criteria provided, single submitter. Criteria: Submitter's publication. Collection method: literature only. Allele origin: unknown. Inheritance: Mitochondrial inheritance. Affected: yes. Observed: 1 variant allele.

Wong Mito Lab, Molecular and Human Genetics, Baylor College of Medicine
Classification: Uncertain significance for MELAS syndrome. Last evaluated: 2019-07-12. Review status: criteria provided, single submitter. Criteria: Modified ACMG Guidelines (Unpublished). Collection method: clinical testing. Allele origin: germline.
Comment: The NC_012920.1:m.12278T>C variant in MT-TL2 gene is interpreted to be a Unknown Significance variant based on the modified ACMG guidelines (unpublished). This variant meets the following evidence codes reported in the guidelines: PM7, PP6

Victorian Clinical Genetics Services, Murdoch Childrens Research Institute
Classification: Uncertain significance for Mitochondrial Disorder. Review status: criteria provided, single submitter. Criteria: ACMG Guidelines, 2015. Collection method: clinical testing. Allele origin: maternal. Affected: yes.
Comment: - The T at this position has high conservation (MITOMASTER). - In silico predictions for this variant are consistently pathogenic (MitoTIP, PON-tRNA). - This variant is present in the MITOMAP and gnomAD population databases at frequencies of 0.002% and 0.004%, respectively. Additional information: - This variant is heteroplasmic (83.8%). - This gene encodes a mitochondrial tRNA (Leu (CUN)). - This variant is predicted to result in a nucleotide change from T to C . - This variant is located in the D-stem of the tRNA and disrupts a Watson-Crick base pairing. - The pairing nucleotide at this position in the stem (m.12286A) has high conservation (MITOMASTER). - This variant has been previously reported as likely pathogenic in two individuals with adult-onset chronic progressive external ophthalmoplegia (CPEO). It was 40.7% heteroplasmic in the muscle sample of one of the individuals. It was 18.3% heteroplasmic in the muscle sample of the other individual, who also had a pathogenic POLG variant. (PMID: 31521625) This variant has also been previously reported as uncertain significance in ClinVar .

Literature cited by the submitters: DOI 10.3390/ijms25042438 (cited by Department of Clinical Genetics, Medical University of Lodz); PubMed 31965079 (cited by Wong Mito Lab, Molecular and Human Genetics, Baylor College of Medicine).

NC_012920.1(MT-TL2):m.12278T>C

Gene: MT-TL2 (mitochondrially encoded tRNA leucine 2 (CUN); plus strand).
Variant type: single nucleotide variant.
Genome position: chrM-12278-T-C.
Identifiers: ClinVar variation 690182 (VCV000690182.2), dbSNP rs1603223646, ClinGen allele CA913169959.